The following is an entry in ClinVar:

ClinVar aggregate classification (germline): Uncertain significance. Review status: criteria provided, multiple submitters, no conflicts (2 of 4 stars). 2 submissions from 2 submitters: Uncertain significance (2). Last evaluated 2025-09-02.

Allele frequency attached by ClinVar (database versions not stated): gnomAD 0.00004 and 0.00006; TOPMed 0.00013.
gnomAD v4.1: 46 of 1,613,366 alleles (0.0029%); highest among the groups gnomAD compares: Admixed American, 0.053%; no homozygotes.

Submissions (2):

Labcorp Genetics (formerly Invitae), Labcorp
Classification: Uncertain significance. Last evaluated: 2025-09-02. Review status: criteria provided, single submitter. Criteria: Invitae Variant Classification Sherloc (09022015). Collection method: clinical testing. Allele origin: germline.
Comment: This sequence change falls in intron 13 of the SBF1 gene. It does not directly change the encoded amino acid sequence of the SBF1 protein. It affects a nucleotide within the consensus splice site. This variant is present in population databases (rs756954512, gnomAD 0.06%). This variant has not been reported in the literature in individuals affected with SBF1-related conditions. ClinVar contains an entry for this variant (Variation ID: 1405811). Variants that disrupt the consensus splice site are a relatively common cause of aberrant splicing (PMID: 17576681, 9536098). Algorithms developed to predict the effect of sequence changes on RNA splicing suggest that this variant is not likely to affect RNA splicing. In summary, the available evidence is currently insufficient to determine the role of this variant in disease. Therefore, it has been classified as a Variant of Uncertain Significance.

GeneDx
Classification: Uncertain significance. Last evaluated: 2024-11-27. Review status: criteria provided, single submitter. Criteria: GeneDx Variant Classification Process June 2021. Collection method: clinical testing. Allele origin: germline. Affected: yes.
Comment: Has not been previously published as pathogenic or benign to our knowledge; In silico analysis is inconclusive as to whether the variant alters gene splicing. In the absence of RNA/functional studies, the actual effect of this sequence change is unknown.

Literature cited by the submitters: PubMed 17576681 (cited by Labcorp Genetics (formerly Invitae), Labcorp); PubMed 9536098 (cited by Labcorp Genetics (formerly Invitae), Labcorp).

NM_002972.4(SBF1):c.1431+6A>T

Gene: SBF1 (SET binding factor 1; minus strand). Cytogenetic location: 22q13.33.
Variant type: single nucleotide variant.
Coding change: c.1431+6A>T on transcript NM_002972.4 (MANE Select); 6 bases into the intron after coding-DNA position 1431, A replaced by T.
Molecular consequence: intron variant.
Genome position (GRCh38, 1-based): chr22:50,464,813, T>A on the plus strand (A>T on the coding strand, the complement: SBF1 is on the minus strand). VCF-style: chr22-50464813-T-A. GRCh37 (hg19) VCF-style: chr22-50903242-T-A.
Other names: c.1434+6A>T (NM_001365819.1).
Identifiers: ClinVar variation 1405811 (VCV001405811.5), dbSNP rs756954512, ClinGen allele CA10317674.